The following is an entry in ClinVar:

NM_000501.4(ELN):c.871G>A (p.Gly291Arg)

Gene: ELN (elastin; plus strand). Cytogenetic location: 7q11.23.
Variant type: single nucleotide variant.
Coding change: c.871G>A on transcript NM_000501.4 (MANE Select); coding-DNA position 871, G replaced by A.
Protein change: p.Gly291Arg; replaces glycine 291 with arginine.
Molecular consequence: missense variant.
Genome position (GRCh38, 1-based): chr7:74,051,821, G>A. VCF-style: chr7-74051821-G-A. GRCh37 (hg19) VCF-style: chr7-73466151-G-A.
Other names: c.841G>A, p.Gly281Arg (NM_001081752.3, NM_001278917.2); c.886G>A, p.Gly296Arg (NM_001081753.3, NM_001081754.3); c.871G>A, p.Gly291Arg (NM_001081755.3, NM_001278912.2, NM_001278915.2 and 1 more transcripts); c.763G>A, p.Gly255Arg (NM_001278913.2); c.856G>A, p.Gly286Arg (NM_001278914.2); c.829G>A, p.Gly277Arg (NM_001278916.2); c.739G>A, p.Gly247Arg (NM_001278918.2); short protein forms G247R, G255R, G286R, G296R, G277R, G281R, G291R.
Identifiers: ClinVar variation 3704071 (VCV003704071.2).

ClinVar aggregate classification (germline): Uncertain significance (1 of 4 stars; one submission).

Conditions:
Supravalvar aortic stenosis (SVAS). Also called: Supravalvar aortic stenosis, Eisenberg type. Identifiers: Orphanet 3193, MedGen C0003499, MONDO:0008504, OMIM 185500, HP:0004381.

gnomAD v4.1: 1 of 1,614,244 alleles (0.000062%); highest among the groups gnomAD compares: Non-Finnish European, 0.000085%; no homozygotes.

Submission:

Labcorp Genetics (formerly Invitae), Labcorp
Classification: Uncertain significance for Supravalvar aortic stenosis. Last evaluated: 2024-05-12. Review status: criteria provided, single submitter. Criteria: Invitae Variant Classification Sherloc (09022015). Collection method: clinical testing. Allele origin: germline.
Comment: This sequence change replaces glycine, which is neutral and non-polar, with arginine, which is basic and polar, at codon 291 of the ELN protein (p.Gly291Arg). This variant is not present in population databases (gnomAD no frequency). This variant has not been reported in the literature in individuals affected with ELN-related conditions. Advanced modeling of protein sequence and biophysical properties (such as structural, functional, and spatial information, amino acid conservation, physicochemical variation, residue mobility, and thermodynamic stability) performed at Invitae indicates that this missense variant is not expected to disrupt ELN protein function with a negative predictive value of 80%. In summary, the available evidence is currently insufficient to determine the role of this variant in disease. Therefore, it has been classified as a Variant of Uncertain Significance.